The following is an entry in ClinVar:

NM_006118.4(HAX1):c.106G>A (p.Glu36Lys)

Gene: HAX1 (HCLS1 associated protein X-1; plus strand). Cytogenetic location: 1q21.3.
Variant type: single nucleotide variant.
Coding change: c.106G>A on transcript NM_006118.4 (MANE Select); coding-DNA position 106, G replaced by A.
Protein change: p.Glu36Lys; replaces glutamic acid 36 with lysine.
Molecular consequence: missense variant. On other transcripts: intron variant (1).
Genome position (GRCh38, 1-based): chr1:154,273,388, G>A. VCF-style: chr1-154273388-G-A. GRCh37 (hg19) VCF-style: chr1-154245864-G-A.
Other names: c.54-92G>A (NM_001018837.2); short protein forms E36K.
Identifiers: ClinVar variation 1405106 (VCV001405106.6), dbSNP rs754167096, ClinGen allele CA1127256.
Genomic context (GRCh38, chr1:154,273,388, plus strand): 5'-ACTCTCAGCCACAGAGATCCCTTTTTTGGAGGGATGACTCGAGATGAAGATGATGATGAG[G>A]AAGAAGAAGAAGAAGGGGGCTCATGGGGCCGTGGGAACCCAAGGTTCCATAGTCCTCAGC-3'
Protein context (NP_006109.2, residues 26-46): GMTRDEDDDE[Glu36Lys]EEEEGGSWGR

ClinVar aggregate classification (germline): Uncertain significance (1 of 4 stars; one submission).

Conditions:
Kostmann syndrome (SCN3). Also called: KOSTMANN DISEASE; Autosomal recessive severe congenital neutropenia type 3. Identifiers: Orphanet 99749, MedGen C5235141, MONDO:0012548, OMIM 610738.

Allele frequency attached by ClinVar (database versions not stated): gnomAD exomes 0.00001 and 0.00007; ExAC 0.00002.

Submission:

Labcorp Genetics (formerly Invitae), Labcorp
Classification: Uncertain significance for Kostmann syndrome. Last evaluated: 2025-08-10. Review status: criteria provided, single submitter. Criteria: Invitae Variant Classification Sherloc (09022015). Collection method: clinical testing. Allele origin: germline.
Comment: This sequence change replaces glutamic acid, which is acidic and polar, with lysine, which is basic and polar, at codon 36 of the HAX1 protein (p.Glu36Lys). This variant is present in population databases (rs754167096, gnomAD 0.003%). This variant has not been reported in the literature in individuals affected with HAX1-related conditions. ClinVar contains an entry for this variant (Variation ID: 1405106). Invitae Evidence Modeling of protein sequence and biophysical properties (such as structural, functional, and spatial information, amino acid conservation, physicochemical variation, residue mobility, and thermodynamic stability) indicates that this missense variant is not expected to disrupt HAX1 protein function with a negative predictive value of 80%. In summary, the available evidence is currently insufficient to determine the role of this variant in disease. Therefore, it has been classified as a Variant of Uncertain Significance.